The following is an entry in ClinVar:

NM_001375567.1(FOCAD):c.922C>T (p.Leu308=)

Gene: FOCAD (focadhesin; plus strand). Cytogenetic location: 9p21.3.
Variant type: single nucleotide variant.
Coding change: c.922C>T on transcript NM_001375567.1 (MANE Select); coding-DNA position 922, C replaced by T.
Protein change: p.Leu308=; no amino-acid change (leucine 308 retained).
Molecular consequence: synonymous variant.
Genome position (GRCh38, 1-based): chr9:20,778,696, C>T. VCF-style: chr9-20778696-C-T. GRCh37 (hg19) VCF-style: chr9-20778695-C-T.
Other names: c.922C>T, p.Leu308= (NM_001375568.1, NM_017794.5); c.817C>T, p.Leu273= (NM_001375570.1).
Identifiers: ClinVar variation 3352152 (VCV003352152.3).
Genomic context (GRCh38, chr9:20,778,696, plus strand): 5'-TGGGAACTTCTTTAACAACTCCTTTTTCCCCCTCTATTCTTTTAGGATTTTCCTGTTGAA[C>T]TGGTCATAATTGGAATAGCTTTACTACTTCTACAGACTCCAGCAAGTCAGCAGAAGCCAA-3'
Protein context (NP_001362496.1, residues 298-318): ELLKEDFPVE[Leu308=]VIIGIALLLL

ClinVar aggregate classification (germline): Uncertain significance. Review status: criteria provided, single submitter (1 of 4 stars). 2 submissions from 2 submitters: Uncertain significance (1). 1 of the submissions does not count toward it. Last evaluated 2024-06-09.

Conditions:
FOCAD-related disorder. Also called: FOCAD-related condition.

gnomAD v4.1: 269 of 1,609,186 alleles (0.017%); highest among the groups gnomAD compares: Non-Finnish European, 0.021%; no homozygotes.

Submissions (2):

Labcorp Genetics (formerly Invitae), Labcorp
Classification: Uncertain significance. Last evaluated: 2024-06-09. Review status: criteria provided, single submitter. Criteria: Invitae Variant Classification Sherloc (09022015). Collection method: clinical testing. Allele origin: germline.
Comment: This sequence change affects codon 308 of the FOCAD mRNA. It is a 'silent' change, meaning that it does not change the encoded amino acid sequence of the FOCAD protein. This variant is present in population databases (rs375277727, gnomAD 0.02%). This variant has not been reported in the literature in individuals affected with FOCAD-related conditions. In summary, the available evidence is currently insufficient to determine the role of this variant in disease. Therefore, it has been classified as a Variant of Uncertain Significance.

PreventionGenetics, part of Exact Sciences
Classification: Likely benign for FOCAD-related condition. Last evaluated: 2024-06-07. Review status: no assertion criteria provided. Collection method: clinical testing. Allele origin: germline. Not counted in ClinVar's aggregate classification.
Comment: This variant is classified as likely benign based on ACMG/AMP sequence variant interpretation guidelines (Richards et al. 2015 PMID: 25741868, with internal and published modifications).